The following is an entry in ClinVar:

NM_000124.4(ERCC6):c.3442G>A (p.Asp1148Asn)

Gene: ERCC6 (ERCC excision repair 6, chromatin remodeling factor; minus strand). Cytogenetic location: 10q11.23.
Variant type: single nucleotide variant.
Coding change: c.3442G>A on transcript NM_000124.4 (MANE Select); coding-DNA position 3442, G replaced by A.
Protein change: p.Asp1148Asn; replaces aspartic acid 1148 with asparagine.
Molecular consequence: missense variant.
Genome position (GRCh38, 1-based): chr10:49,470,518, C>T on the plus strand (G>A on the coding strand, the complement: ERCC6 is on the minus strand). VCF-style: chr10-49470518-C-T. GRCh37 (hg19) VCF-style: chr10-50678564-C-T.
Other names: c.3442G>A, p.Asp1148Asn (NM_001346440.2); short protein forms D1148N.
Identifiers: ClinVar variation 2008850 (VCV002008850.4), dbSNP rs1850757369, ClinGen allele CA376714790.

ClinVar aggregate classification (germline): Uncertain significance (1 of 4 stars; one submission).

Allele frequency attached by ClinVar (database versions not stated): gnomAD 0.00001.
gnomAD v4.1: 1 of 1,614,076 alleles (0.000062%); highest among the groups gnomAD compares: South Asian, 0.0011%; no homozygotes.

Submission:

Labcorp Genetics (formerly Invitae), Labcorp
Classification: Uncertain significance. Last evaluated: 2022-06-22. Review status: criteria provided, single submitter. Criteria: Invitae Variant Classification Sherloc (09022015). Collection method: clinical testing. Allele origin: germline.
Comment: In summary, the available evidence is currently insufficient to determine the role of this variant in disease. Therefore, it has been classified as a Variant of Uncertain Significance. Algorithms developed to predict the effect of missense changes on protein structure and function output the following: SIFT: "Tolerated"; PolyPhen-2: "Benign"; Align-GVGD: "Class C0". The asparagine amino acid residue is found in multiple mammalian species, which suggests that this missense change does not adversely affect protein function. This variant has not been reported in the literature in individuals affected with ERCC6-related conditions. This variant is not present in population databases (gnomAD no frequency). This sequence change replaces aspartic acid, which is acidic and polar, with asparagine, which is neutral and polar, at codon 1148 of the ERCC6 protein (p.Asp1148Asn).